The following is an entry in ClinVar:

ClinVar aggregate classification (germline): Uncertain significance. Review status: criteria provided, multiple submitters, no conflicts (2 of 4 stars). 9 submissions from 9 submitters: Uncertain significance (7). 2 of the submissions do not count toward it. Last evaluated 2026-02-27.

Conditions:
Usher syndrome type 3A (USH3A). Also called: USHER SYNDROME, TYPE IIIA. Identifiers: MedGen C5779850, MONDO:0010170, OMIM 276902.
Retinitis pigmentosa (RP). Identifiers: Orphanet 791, MedGen C0035334, MeSH D012174, MONDO:0019200, OMIM 268000. Inheritance: Autosomal dominant, autosomal recessive and X linked inheritance.
Retinitis pigmentosa 61 (RP61). Identifiers: Orphanet 791, MedGen C3280041, MONDO:0013610, OMIM 614180.
Retinal dystrophy. Also called: Inherited retinal dystrophy. Identifiers: Orphanet 71862, MedGen C0854723, MeSH D058499, MONDO:0019118, HP:0000556.
CLRN1-related disorder. Also called: CLRN1-related condition.

Allele frequency attached by ClinVar (database versions not stated): gnomAD 0.00015 and 0.00016; 1000 Genomes Project 30x 0.00016; gnomAD exomes 0.00019; 1000 Genomes Project 0.00020; ExAC 0.00020; TOPMed 0.00020; ESP Exome Variant Server 0.00038.
gnomAD v4.1: 440 of 1,614,192 alleles (0.027%); highest among the groups gnomAD compares: Non-Finnish European, 0.035%; no homozygotes.

Submissions (9):

PreventionGenetics, part of Exact Sciences
Classification: Uncertain significance for CLRN1-related condition. Last evaluated: 2026-02-27. Review status: criteria provided, single submitter. Criteria: ACMG Guidelines, 2015. Collection method: clinical testing. Allele origin: germline.
Comment: The CLRN1 c.218A>G variant is predicted to result in the amino acid substitution p.Gln73Arg. This variant has been reported in an individual with Usher syndrome 1 (Licastro et al. 2012. PubMed ID: 22952768); however, the individual was heterozygous for the variant, without a second variant in CLRN1, and also had a heterozgyous variant in MYO7A (c.4411T>C, p.S1471P). This variant is reported in 0.034% of alleles in individuals of European (Non-Finnish) descent in gnomAD. At this time, the clinical significance of this variant is uncertain due to the absence of conclusive functional and genetic evidence.

Women's Health and Genetics/Laboratory Corporation of America, LabCorp
Classification: Uncertain significance. Last evaluated: 2026-01-19. Review status: criteria provided, single submitter. Criteria: LabCorp Variant Classification Summary - May 2015. Collection method: clinical testing. Allele origin: germline.
Comment: Variant summary: CLRN1 c.218A>G (p.Gln73Arg) results in a conservative amino acid change in the encoded protein sequence. Algorithms developed to predict the effect of missense changes on protein structure and function are either unavailable or do not agree on the potential impact of this missense change. The variant allele was found at a frequency of 0.00019 in 251476 control chromosomes. c.218A>G has been observed as heterozygous genotype in an individual affected with Usher Syndrome (Licastro_2012); however, no second allele change has been detected in this individual. This report does not provide unequivocal conclusions about association of the variant with Usher Syndrome. To our knowledge, no experimental evidence demonstrating an impact on protein function has been reported. The following publication has been ascertained in the context of this evaluation (PMID: 22952768). ClinVar contains an entry for this variant (Variation ID: 504559). Based on the evidence outlined above, the variant was classified as uncertain significance.

Blueprint Genetics
Classification: Uncertain significance. Last evaluated: 2024-10-15. Review status: criteria provided, single submitter. Criteria: ACMG Guidelines, 2015. Collection method: clinical testing. Allele origin: germline.

Institute of Human Genetics, Univ. Regensburg, Univ. Regensburg
Classification: Uncertain significance for Retinal dystrophy. Last evaluated: 2023-01-01. Review status: criteria provided, single submitter. Criteria: ACMG Guidelines, 2015. Collection method: clinical testing. Allele origin: germline. Affected: yes.

Labcorp Genetics (formerly Invitae), Labcorp
Classification: Uncertain significance. Last evaluated: 2022-10-25. Review status: criteria provided, single submitter. Criteria: Invitae Variant Classification Sherloc (09022015). Collection method: clinical testing. Allele origin: germline.
Comment: This sequence change replaces glutamine, which is neutral and polar, with arginine, which is basic and polar, at codon 73 of the CLRN1 protein (p.Gln73Arg). This variant is present in population databases (rs201008540, gnomAD 0.03%). This missense change has been observed in individual(s) with Usher syndrome (PMID: 22952768). ClinVar contains an entry for this variant (Variation ID: 504559). Algorithms developed to predict the effect of missense changes on protein structure and function are either unavailable or do not agree on the potential impact of this missense change (SIFT: "Deleterious"; PolyPhen-2: "Possibly Damaging"; Align-GVGD: "Class C0"). In summary, the available evidence is currently insufficient to determine the role of this variant in disease. Therefore, it has been classified as a Variant of Uncertain Significance.

Fulgent Genetics
Classification: Uncertain significance for Retinitis pigmentosa; Usher syndrome type 3A; Retinitis pigmentosa 61. Last evaluated: 2021-12-10. Review status: criteria provided, single submitter. Criteria: ACMG Guidelines, 2015. Collection method: clinical testing. Allele origin: unknown.

Laboratory for Molecular Medicine, Mass General Brigham Personalized Medicine
Classification: Uncertain significance. Last evaluated: 2016-06-02. Review status: criteria provided, single submitter. Criteria: LMM Criteria. Collection method: clinical testing. Allele origin: germline. Observed: 1 variant allele.
Comment: The p.Gln73Arg variant in CLRN1 has been previously reported in 1 individual wit h Usher syndrome (Licastro 2012); however, a variant affecting the remaining cop y of CLRN1 was not identified, and that individual was heterozygous for a pathog enic variant in another gene. This variant has been identified in 22/66714 of Eu ropean chromosomes by the Exome Aggregation Consortium (ExAC; dbSNP rs201008540); however, its frequency is not high enough to r ule out a pathogenic role. Computational prediction tools and conservation analy ses suggest that this variant may impact the protein, though this information is not predictive enough to determine pathogenicity. In summary, the clinical sign ificance of the p.Gln73Arg variant is uncertain.

Natera, Inc.
Classification: Uncertain significance for Usher syndrome type 3A. Last evaluated: 2020-09-16. Review status: no assertion criteria provided. Collection method: clinical testing. Allele origin: germline. Not counted in ClinVar's aggregate classification.

Counsyl
Classification: Uncertain significance for Usher syndrome type 3A. Last evaluated: 2017-07-05. Review status: no assertion criteria provided. Collection method: clinical testing. Allele origin: unknown. Not counted in ClinVar's aggregate classification.

Literature cited by the submitters: PubMed 22952768 (cited by 5 submitters).

NM_174878.3(CLRN1):c.218A>G (p.Gln73Arg)

Gene: CLRN1 (clarin 1; minus strand). Cytogenetic location: 3q25.1.
Variant type: single nucleotide variant.
Coding change: c.218A>G on transcript NM_174878.3 (MANE Select); coding-DNA position 218, A replaced by G.
Protein change: p.Gln73Arg; replaces glutamine 73 with arginine.
Molecular consequence: missense variant. On other transcripts: non-coding transcript variant (1).
Genome position (GRCh38, 1-based): chr3:150,972,491, T>C on the plus strand (A>G on the coding strand, the complement: CLRN1 is on the minus strand). VCF-style: chr3-150972491-T-C. GRCh37 (hg19) VCF-style: chr3-150690278-T-C.
Other names: c.218A>G, p.Gln73Arg (NM_001195794.1, NM_001256819.2); short protein forms Q73R.
Identifiers: ClinVar variation 504559 (VCV000504559.16), dbSNP rs201008540, ClinGen allele CA2666190.
Genomic context (GRCh38, chr3:150,972,491, plus strand): 5'-TAACTCAAATGCAATTGCTACTTACATGAGAACCGAAAGGGCCTTGCTCCCAACCCACAC[T>C]GCCTCACACCCTCTCCGTGGAAAAGCCCGTACTGCATTTCACCCATAAACTTGTCCAGCT-3'
Protein context (NP_777367.1, residues 63-83): YGLFHGEGVR[Gln73Arg]CGLGARPFRF